The following is an entry in ClinVar:

ClinVar aggregate classification (germline): Uncertain significance (1 of 4 stars; one submission).

Conditions:
Hereditary breast ovarian cancer syndrome. Also called: BRCA1- and BRCA2-Associated Hereditary Breast and Ovarian Cancer; Hereditary breast and ovarian cancer; Hereditary breast and ovarian cancer syndrome (HBOC); Hereditary breast and ovarian cancer syndrome; Hereditary breast and/or ovarian cancer syndrome; Breast and ovarian cancer. Identifiers: Orphanet 145, MedGen C0677776, MeSH D061325, MONDO:0003582. Disease mechanism: loss of function.

Submission:

Labcorp Genetics (formerly Invitae), Labcorp
Classification: Uncertain significance for Hereditary breast ovarian cancer syndrome. Last evaluated: 2023-11-24. Review status: criteria provided, single submitter. Criteria: Invitae Variant Classification Sherloc (09022015). Collection method: clinical testing. Allele origin: germline.
Comment: This sequence change replaces cysteine, which is neutral and slightly polar, with phenylalanine, which is neutral and non-polar, at codon 1270 of the BRCA1 protein (p.Cys1270Phe). This variant is not present in population databases (gnomAD no frequency). This variant has not been reported in the literature in individuals affected with BRCA1-related conditions. Advanced modeling of protein sequence and biophysical properties (such as structural, functional, and spatial information, amino acid conservation, physicochemical variation, residue mobility, and thermodynamic stability) performed at Invitae indicates that this missense variant is not expected to disrupt BRCA1 protein function with a negative predictive value of 95%. In summary, the available evidence is currently insufficient to determine the role of this variant in disease. Therefore, it has been classified as a Variant of Uncertain Significance.

NM_007294.4(BRCA1):c.3809G>T (p.Cys1270Phe)

Genes: BRCA1 (BRCA1 DNA repair associated; minus strand), LOC126862571 (BRD4-independent group 4 enhancer GRCh37_chr17:41243136-41244335; plus strand). Cytogenetic location: 17q21.31.
Variant type: single nucleotide variant.
Coding change: c.3809G>T on transcript NM_007294.4 (MANE Select); coding-DNA position 3809, G replaced by T.
Protein change: p.Cys1270Phe; replaces cysteine 1270 with phenylalanine.
Molecular consequence: missense variant. On other transcripts: intron variant (135).
Genome position (GRCh38, 1-based): chr17:43,091,722, C>A on the plus strand (G>T on the coding strand, the complement: BRCA1 is on the minus strand). VCF-style: chr17-43091722-C-A. GRCh37 (hg19) VCF-style: chr17-41243739-C-A.
Other names: c.3809G>T, p.Cys1270Phe (NM_001407640.1, NM_001407642.1, NM_001407641.1 and 30 more transcripts); c.665-690G>T (NM_001408441.1, NM_001408437.1, NM_001408429.1 and 12 more transcripts); c.788-690G>T (NM_001407982.1, NM_001407977.1, NM_001407979.1 and 17 more transcripts); c.647-690G>T (NM_001408410.1, NM_001408458.1, NM_001408469.1 and 11 more transcripts); c.578-690G>T (NM_001408483.1, NM_001408481.1, NM_001408480.1 and 9 more transcripts); c.3806G>T, p.Cys1269Phe (NM_001407644.1, NM_001407645.1, NM_001407587.1 and 22 more transcripts); c.710-690G>T (NM_001408415.1, NM_001408412.1, NM_001408409.1 and 2 more transcripts); c.3800G>T, p.Cys1267Phe (NM_001407646.1, NM_001407647.1); and 41 more; short protein forms C1158F, C1159F, C1223F, C1229F, C1244F, C1270F, C402F, C1142F.
Identifiers: ClinVar variation 2698570 (VCV002698570.3), dbSNP rs1207787135, ClinGen allele CA10594349.